The following is an entry in ClinVar:

ClinVar aggregate classification (germline): Likely pathogenic (1 of 4 stars; one submission).

Conditions:
Bone mineral density quantitative trait locus 18 (BMND18). Also called: OSTEOPOROSIS AND OSTEOPOROTIC FRACTURES, SUSCEPTIBILITY TO; Bone mineral density QTL18, osteoporosis. Identifiers: Orphanet 391330, MedGen C3806712, OMIM 300910.

gnomAD v4.1: 1 of 1,200,609 alleles (0.000083%); highest among the groups gnomAD compares: Non-Finnish European, 0.00011%; no homozygotes.

Submission:

Breakthrough Genomics
Classification: Likely pathogenic for Bone mineral density quantitative trait locus 18. Last evaluated: 2022-04-21. Review status: criteria provided, single submitter. Criteria: ACMG Guidelines, 2015. Collection method: clinical testing. Allele origin: germline. Affected: yes.
Comment: This variant is predicted to cause a premature termination of the protein (p.Ser122Ter). The resultant protein will likely to lack Calponin-homology (CH) domains of the protein [UniProt]; this will likely result in loss-of-function. Due to the introduction of a premature stop codon, this aberrant transcript will likely be targeted by the nonsense-mediated mRNA decay (NMD) mechanism [PMID: 15040442]. This variant seems to be a novel variant, as it has not been previously reported in population databases or in the literature. However, several other truncating variants lying downstream of the identified variant, have been previously reported as ‘likely pathogenic/pathogenic’ in the ClinVar database. Loss-of-function variants in the PLS3 gene are known to be pathogenic [PMID: 24088043, 24616189, 25209159].

NM_005032.7(PLS3):c.365C>A (p.Ser122Ter)

Gene: PLS3 (plastin 3; plus strand). Cytogenetic location: Xq23.
Variant type: single nucleotide variant.
Coding change: c.365C>A on transcript NM_005032.7 (MANE Select); coding-DNA position 365, C replaced by A.
Protein change: p.Ser122Ter; replaces serine 122 with a stop codon.
Molecular consequence: nonsense.
Genome position (GRCh38, 1-based): chrX:115,629,325, C>A. VCF-style: chrX-115629325-C-A. GRCh37 (hg19) VCF-style: chrX-114863637-C-A.
Other names: p.Ser122Ter; c.365C>A, p.Ser122Ter (NM_001136025.5); c.284C>A, p.Ser95Ter (NM_001172335.3); c.299C>A, p.Ser100Ter (NM_001282337.2); c.230C>A, p.Ser77Ter (NM_001282338.2); short protein forms S100*, S122*, S77*, S95*.
Identifiers: ClinVar variation 3255588 (VCV003255588.2).
Genomic context (GRCh38, chrX:115,629,325, plus strand): 5'-GTATTTGTGCTCTGGGTGGAACTTCAGAGTTGTCCAGCGAAGGAACACAGCATTCTTACT[C>A]AGGTAATCATTTTATATGCAATAGGTTAACACAATGTGCTAAGTGGGATGGTTGCTGTAA-3'